The following is an entry in ClinVar:

NM_001267550.2(TTN):c.11311+3472C>G

Gene: TTN (titin; minus strand). Cytogenetic location: 2q31.2.
Variant type: single nucleotide variant.
Coding change: c.11311+3472C>G on transcript NM_001267550.2 (MANE Select); 3472 bases into the intron after coding-DNA position 11311, C replaced by G.
Molecular consequence: intron variant. On other transcripts: missense variant (1).
Genome position (GRCh38, 1-based): chr2:178,749,652, G>C on the plus strand (C>G on the coding strand, the complement: TTN is on the minus strand). VCF-style: chr2-178749652-G-C. GRCh37 (hg19) VCF-style: chr2-179614379-G-C.
Other names: c.10597+3472C>G (NM_133432.3); c.10360+3472C>G (NM_133378.4, NM_001256850.1); c.12748C>G, p.Pro4250Ala (NM_133379.5); c.10222+3472C>G (NM_003319.4); c.10798+3472C>G (NM_133437.4); short protein forms P4250A.
Identifiers: ClinVar variation 2634654 (VCV002634654.1), dbSNP rs375430896, ClinGen allele CA2003509.

ClinVar aggregate classification (germline): Uncertain significance (1 of 4 stars; one submission).

Conditions:
TTN-related disorder. Also called: TTN-related condition; TTN-related disease; TTN-related disorders.

Allele frequency attached by ClinVar (database versions not stated): ExAC 0.00001; gnomAD 0.00001; TOPMed 0.00002; ESP Exome Variant Server 0.00008.

Submission:

PreventionGenetics, part of Exact Sciences
Classification: Uncertain significance for TTN-related condition. Last evaluated: 2023-07-15. Review status: criteria provided, single submitter. Criteria: ACMG Guidelines, 2015. Collection method: clinical testing. Allele origin: germline.
Comment: The TTN c.12748C>G variant is predicted to result in the amino acid substitution p.Pro4250Ala. To our knowledge, this variant has not been reported in the literature. This variant is reported in 0.0082% of alleles in individuals of African descent in gnomAD. At this time, the clinical significance of this variant is uncertain due to the absence of conclusive functional and genetic evidence.